The following is an entry in ClinVar:

NM_001370298.3(FGD4):c.1112G>A (p.Cys371Tyr)

Gene: FGD4 (FYVE, RhoGEF and PH domain containing 4; plus strand). Cytogenetic location: 12p11.21.
Variant type: single nucleotide variant.
Coding change: c.1112G>A on transcript NM_001370298.3 (MANE Select); coding-DNA position 1112, G replaced by A.
Protein change: p.Cys371Tyr; replaces cysteine 371 with tyrosine.
Molecular consequence: missense variant. On other transcripts: 5 prime UTR variant (2).
Genome position (GRCh38, 1-based): chr12:32,601,288, G>A. VCF-style: chr12-32601288-G-A. GRCh37 (hg19) VCF-style: chr12-32754222-G-A.
Other names: c.956G>A, p.Cys319Tyr (NM_001304481.2); c.-44G>A (NM_001304483.2); c.-351G>A (NM_001304484.2); c.422G>A, p.Cys141Tyr (NM_001330373.2, NM_001330374.2, NM_001384130.1); c.149G>A, p.Cys50Tyr (NM_001370297.1); c.1112G>A, p.Cys371Tyr (NM_001384126.1); c.701G>A, p.Cys234Tyr (NM_001384127.1, NM_001384128.1, NM_001385118.1 and 1 more transcripts); short protein forms C141Y, C234Y, C319Y, C371Y, C50Y.
Identifiers: ClinVar variation 4278918 (VCV004278918.1).

ClinVar aggregate classification (germline): Uncertain significance (1 of 4 stars; one submission).

Submission:

GeneDx
Classification: Uncertain significance. Last evaluated: 2025-04-02. Review status: criteria provided, single submitter. Criteria: GeneDx Variant Classification Process June 2021. Collection method: clinical testing. Allele origin: germline. Affected: yes.
Comment: Not observed at significant frequency in large population cohorts (gnomAD); In silico analysis supports that this missense variant has a deleterious effect on protein structure/function; Has not been previously published as pathogenic or benign to our knowledge; This variant is associated with the following publications: (PMID: 22734899)